The following is an entry in ClinVar:

ClinVar aggregate classification (germline): Benign. Review status: criteria provided, multiple submitters, no conflicts (2 of 4 stars). 4 submissions from 4 submitters: Benign (4). Last evaluated 2023-07-07.

Conditions:
Diaphyseal medullary stenosis-bone malignancy syndrome. Also called: MYOPATHY, LIMB-GIRDLE, WITH BONE FRAGILITY; BONE DYSPLASIA WITH MALIGNANT FIBROUS HISTIOCYTOMA; BONE DYSPLASIA WITH MEDULLARY FIBROSARCOMA. Identifiers: Orphanet 85182, MedGen C1862177, MONDO:0007205, OMIM 112250.

Allele frequency attached by ClinVar (database versions not stated): 1000 Genomes Project 0.04073; 1000 Genomes Project 30x 0.04107; gnomAD 0.05936 and 0.05965; TOPMed 0.06017; ExAC 0.06284; gnomAD exomes 0.06424 and 0.08286; ESP Exome Variant Server 0.06620.
gnomAD v4.1: 129,776 of 1,614,066 alleles (8%); highest among the groups gnomAD compares: Non-Finnish European, 9.1%; 5,832 homozygotes.

Submissions (4):

KCCC/NGS Laboratory, Kuwait Cancer Control Center
Classification: Benign for Diaphyseal medullary stenosis-bone malignancy syndrome. Last evaluated: 2023-07-07. Review status: criteria provided, single submitter. Criteria: ACMG Guidelines, 2015. Collection method: clinical testing. Allele origin: germline. Affected: yes.

GeneDx
Classification: Benign. Last evaluated: 2021-06-09. Review status: criteria provided, single submitter. Criteria: GeneDx Variant Classification Process June 2021. Collection method: clinical testing. Allele origin: germline. Affected: yes.

Illumina Laboratory Services, Illumina
Classification: Benign for Diaphyseal medullary stenosis-bone malignancy syndrome. Last evaluated: 2018-01-13. Review status: criteria provided, single submitter. Criteria: ICSL Variant Classification Criteria 13 December 2019. Collection method: clinical testing. Allele origin: germline.
Comment: This variant was observed in the ICSL laboratory as part of a predisposition screen in an ostensibly healthy population. It had not been previously curated by ICSL or reported in the Human Gene Mutation Database (HGMD: prior to June 1st, 2018), and was therefore a candidate for classification through an automated scoring system. Utilizing variant allele frequency, disease prevalence and penetrance estimates, and inheritance mode, an automated score was calculated to assess if this variant is too frequent to cause the disease. Based on the score and internal cut-off values, a variant classified as benign is not then subjected to further curation. The score for this variant resulted in a classification of benign for this disease.

Breakthrough Genomics
Classification: Benign. Review status: criteria provided, single submitter. Criteria: ACMG Guidelines, 2015. Collection method: not provided. Allele origin: germline. Inheritance: Autosomal dominant inheritance. Affected: yes.

NM_002451.4(MTAP):c.561C>T (p.Arg187=)

Gene: MTAP (methylthioadenosine phosphorylase; plus strand). Cytogenetic location: 9p21.3.
Variant type: single nucleotide variant.
Coding change: c.561C>T on transcript NM_002451.4 (MANE Select); coding-DNA position 561, C replaced by T.
Protein change: p.Arg187=; no amino-acid change (arginine 187 retained).
Molecular consequence: synonymous variant.
Genome position (GRCh38, 1-based): chr9:21,854,741, C>T. VCF-style: chr9-21854741-C-T. GRCh37 (hg19) VCF-style: chr9-21854740-C-T.
Identifiers: ClinVar variation 366244 (VCV000366244.9), dbSNP rs10965163, ClinGen allele CA5011902.